The following is an entry in ClinVar:

NM_015215.4(CAMTA1):c.2084C>T (p.Ser695Leu)

Gene: CAMTA1 (calmodulin binding transcription activator 1; plus strand). Cytogenetic location: 1p36.23.
Variant type: single nucleotide variant.
Coding change: c.2084C>T on transcript NM_015215.4 (MANE Select); coding-DNA position 2084, C replaced by T.
Protein change: p.Ser695Leu; replaces serine 695 with leucine.
Molecular consequence: missense variant.
Genome position (GRCh38, 1-based): chr1:7,664,631, C>T. VCF-style: chr1-7664631-C-T. GRCh37 (hg19) VCF-style: chr1-7724691-C-T.
Other names: c.1994C>T, p.Ser665Leu (NM_001349608.2, NM_001349612.2); c.2084C>T, p.Ser695Leu (NM_001349609.2, NM_001349610.2, NM_001410737.1); c.2012C>T, p.Ser671Leu (NM_001410738.1); short protein forms S665L, S671L, S695L.
Identifiers: ClinVar variation 3355620 (VCV003355620.2).

ClinVar aggregate classification (germline): Uncertain significance. Review status: criteria provided, single submitter (1 of 4 stars). 2 submissions from 2 submitters: Uncertain significance (1). 1 of the submissions does not count toward it. Last evaluated 2021-04-28.

Conditions:
CAMTA1-related disorder. Also called: CAMTA1-related condition.

gnomAD v4.1: 3 of 1,607,866 alleles (0.00019%); highest among the groups gnomAD compares: Non-Finnish European, 0.00026%; no homozygotes.

Submissions (2):

Blueprint Genetics
Classification: Uncertain significance. Last evaluated: 2021-04-28. Review status: criteria provided, single submitter. Criteria: ACMG Guidelines, 2015. Collection method: clinical testing. Allele origin: germline.

PreventionGenetics, part of Exact Sciences
Classification: Uncertain significance for CAMTA1-related condition. Last evaluated: 2024-09-10. Review status: no assertion criteria provided. Collection method: clinical testing. Allele origin: germline. Not counted in ClinVar's aggregate classification.
Comment: The CAMTA1 c.2084C>T variant is predicted to result in the amino acid substitution p.Ser695Leu. To our knowledge, this variant has not been reported in the literature or in a large population database, indicating this variant is rare. At this time, the clinical significance of this variant is uncertain due to the absence of conclusive functional and genetic evidence.